The following is an entry in ClinVar:

NM_015721.3(GEMIN4):c.754C>A (p.Leu252Met)

Gene: GEMIN4 (gem nuclear organelle associated protein 4; minus strand). Cytogenetic location: 17p13.3.
Variant type: single nucleotide variant.
Coding change: c.754C>A on transcript NM_015721.3 (MANE Select); coding-DNA position 754, C replaced by A.
Protein change: p.Leu252Met; replaces leucine 252 with methionine.
Molecular consequence: missense variant.
Genome position (GRCh38, 1-based): chr17:747,289, G>T on the plus strand (C>A on the coding strand, the complement: GEMIN4 is on the minus strand). VCF-style: chr17-747289-G-T. GRCh37 (hg19) VCF-style: chr17-650529-G-T.
Other names: short protein forms L252M.
Identifiers: ClinVar variation 3051829 (VCV003051829.3), dbSNP rs144406603, ClinGen allele CA8262819.

ClinVar aggregate classification (germline): Uncertain significance. Review status: criteria provided, single submitter (1 of 4 stars). 2 submissions from 2 submitters: Uncertain significance (1). 1 of the submissions does not count toward it. Last evaluated 2025-08-02.

Conditions:
GEMIN4-related disorder. Also called: GEMIN4-related condition.

Allele frequency attached by ClinVar (database versions not stated): gnomAD exomes 0.00020; ExAC 0.00070; ESP Exome Variant Server 0.00171; gnomAD 0.00228; TOPMed 0.00237; 1000 Genomes Project 0.00359; 1000 Genomes Project 30x 0.00422.
gnomAD v4.1: 658 of 1,613,814 alleles (0.041%); highest among the groups gnomAD compares: African/African-American, 0.78%; 4 homozygotes.

Submissions (2):

Ambry Genetics
Classification: Uncertain significance. Last evaluated: 2025-08-02. Review status: criteria provided, single submitter. Criteria: Ambry Variant Classification Scheme 2023. Collection method: clinical testing. Allele origin: germline.

PreventionGenetics, part of Exact Sciences
Classification: Likely benign for GEMIN4-related condition. Last evaluated: 2019-02-21. Review status: no assertion criteria provided. Collection method: clinical testing. Allele origin: germline. Not counted in ClinVar's aggregate classification.
Comment: This variant is classified as likely benign based on ACMG/AMP sequence variant interpretation guidelines (Richards et al. 2015 PMID: 25741868, with internal and published modifications).